The following is an entry in ClinVar:

ClinVar aggregate classification (germline): Conflicting classifications of pathogenicity. Review status: criteria provided, conflicting classifications (1 of 4 stars). 2 submissions from 2 submitters: Uncertain significance (1); Likely benign (1). Last evaluated 2024-10-16.

Conditions:
Inborn genetic diseases. Identifiers: MedGen C0950123, MeSH D030342.

Allele frequency attached by ClinVar (database versions not stated): TOPMed 0.00003; ESP Exome Variant Server 0.00008; gnomAD exomes below 0.00001 and 0.00002; ExAC 0.00001; gnomAD 0.00001.
gnomAD v4.1: 25 of 1,571,392 alleles (0.0016%); highest among the groups gnomAD compares: Non-Finnish European, 0.002%; no homozygotes.

Submissions (2):

Labcorp Genetics (formerly Invitae), Labcorp
Classification: Uncertain significance. Last evaluated: 2024-10-16. Review status: criteria provided, single submitter. Criteria: Invitae Variant Classification Sherloc (09022015). Collection method: clinical testing. Allele origin: germline.
Comment: This sequence change affects codon 361 of the FUT8 mRNA. It is a 'silent' change, meaning that it does not change the encoded amino acid sequence of the FUT8 protein. It affects a nucleotide within the consensus splice site. This variant is present in population databases (rs143783144, gnomAD 0.001%). This variant has not been reported in the literature in individuals affected with FUT8-related conditions. ClinVar contains an entry for this variant (Variation ID: 1468574). Algorithms developed to predict the effect of sequence changes on RNA splicing suggest that this variant is not likely to affect RNA splicing. In summary, the available evidence is currently insufficient to determine the role of this variant in disease. Therefore, it has been classified as a Variant of Uncertain Significance.

Ambry Genetics
Classification: Likely benign for Inborn genetic diseases. Last evaluated: 2024-01-03. Review status: criteria provided, single submitter. Criteria: Ambry Variant Classification Scheme 2023. Collection method: clinical testing. Allele origin: germline.

NM_001371533.1(FUT8):c.1083A>G (p.Gly361=)

Gene: FUT8 (fucosyltransferase 8; plus strand). Cytogenetic location: 14q23.3.
Variant type: single nucleotide variant.
Coding change: c.1083A>G on transcript NM_001371533.1 (MANE Select); coding-DNA position 1083, A replaced by G.
Protein change: p.Gly361=; no amino-acid change (glycine 361 retained).
Molecular consequence: synonymous variant.
Genome position (GRCh38, 1-based): chr14:65,724,147, A>G. VCF-style: chr14-65724147-A-G. GRCh37 (hg19) VCF-style: chr14-66190865-A-G.
Other names: c.1083A>G, p.Gly361= (NM_001371534.1, NM_178155.3, NM_178156.2); c.1185A>G, p.Gly395= (NM_001371536.1); c.594A>G, p.Gly198= (NM_004480.4); c.1083A>G (NM_178155.2).
Identifiers: ClinVar variation 1468574 (VCV001468574.5), dbSNP rs143783144, ClinGen allele CA7233388.